The following is an entry in ClinVar:

ClinVar aggregate classification (germline): Uncertain significance (1 of 4 stars; one submission).

Conditions:
Immunodeficiency. Identifiers: MedGen C0021051, MONDO:0021094, HP:0002721.

Submission:

Labcorp Genetics (formerly Invitae), Labcorp
Classification: Uncertain significance for Immunodeficiency. Last evaluated: 2021-11-19. Review status: criteria provided, single submitter. Criteria: Invitae Variant Classification Sherloc (09022015). Collection method: clinical testing. Allele origin: germline.
Comment: In summary, the available evidence is currently insufficient to determine the role of this variant in disease. Therefore, it has been classified as a Variant of Uncertain Significance. Algorithms developed to predict the effect of missense changes on protein structure and function are either unavailable or do not agree on the potential impact of this missense change (SIFT: "Tolerated"; PolyPhen-2: "Probably Damaging"; Align-GVGD: "Class C0"). This variant has not been reported in the literature in individuals affected with NFAT5-related conditions. This variant is not present in population databases (gnomAD no frequency). This sequence change replaces proline, which is neutral and non-polar, with alanine, which is neutral and non-polar, at codon 1217 of the NFAT5 protein (p.Pro1217Ala).

NM_138713.4(NFAT5):c.3931C>G (p.Pro1311Ala)

Gene: NFAT5 (nuclear factor of activated T cells 5; plus strand). Cytogenetic location: 16q22.1.
Variant type: single nucleotide variant.
Coding change: c.3931C>G on transcript NM_138713.4 (MANE Select); coding-DNA position 3931, C replaced by G.
Protein change: p.Pro1311Ala; replaces proline 1311 with alanine.
Molecular consequence: missense variant.
Genome position (GRCh38, 1-based): chr16:69,693,756, C>G. VCF-style: chr16-69693756-C-G. GRCh37 (hg19) VCF-style: chr16-69727659-C-G.
Other names: c.3928C>G, p.Pro1310Ala (NM_001113178.3); c.3256C>G, p.Pro1086Ala (NM_001367709.1); c.3877C>G, p.Pro1293Ala (NM_006599.4); c.3649C>G, p.Pro1217Ala (NM_138714.4, NM_173214.3, NM_173215.3); short protein forms P1086A, P1217A, P1293A, P1310A, P1311A.
Identifiers: ClinVar variation 1494797 (VCV001494797.6), dbSNP rs370045730, ClinGen allele CA283374583.
Genomic context (GRCh38, chr16:69,693,756, plus strand): 5'-CAGAATACCATGGCTACAATGGCGTCTCCAAAGCAACCACCACCAAACATGATATTCAAC[C>G]CAAATCAAAATCCAATGGCTAATCAGGAGCAACAGAACCAGTCAATTTTTCACCAACAAA-3'
Protein context (NP_619727.2, residues 1301-1321): KQPPPNMIFN[Pro1311Ala]NQNPMANQEQ